The following is an entry in ClinVar:

NM_001005242.3(PKP2):c.1379-2049A>G

Gene: PKP2 (plakophilin 2; minus strand). Cytogenetic location: 12p11.21.
Variant type: single nucleotide variant.
Coding change: c.1379-2049A>G on transcript NM_001005242.3 (MANE Select); 2049 bases into the intron before coding-DNA position 1379, A replaced by G.
Molecular consequence: intron variant. On other transcripts: missense variant (1).
Genome position (GRCh38, 1-based): chr12:32,843,254, T>C on the plus strand (A>G on the coding strand, the complement: PKP2 is on the minus strand). VCF-style: chr12-32843254-T-C. GRCh37 (hg19) VCF-style: chr12-32996188-T-C.
Other names: c.1438A>G, p.Asn480Asp (NM_004572.4); short protein forms N480D.
Identifiers: ClinVar variation 179977 (VCV000179977.6), dbSNP rs727505257, ClinGen allele CA010595.

ClinVar aggregate classification (germline): Uncertain significance. Review status: criteria provided, multiple submitters, no conflicts (2 of 4 stars). 2 submissions from 2 submitters: Uncertain significance (2). Last evaluated 2024-07-29.

Conditions:
Arrhythmogenic right ventricular cardiomyopathy (ARVD). Also called: Arrhythmogenic cardiomyopathy; Arrhythmogenic Right Ventricular Cardiomyopathy (ARVC); Cardiomyopathy, ARVC; Arrhythmogenic right ventricular dysplasia. Identifiers: Orphanet 247, MedGen C0349788, MeSH D019571, MONDO:0016587. Disease mechanism: loss of function. Inheritance: Various modes of inheritance.

gnomAD v4.1: 3 of 1,156,048 alleles (0.00026%); highest among the groups gnomAD compares: East Asian, 0.0048%; no homozygotes.

Submissions (2):

All of Us Research Program, National Institutes of Health
Classification: Uncertain significance for Arrhythmogenic right ventricular cardiomyopathy. Last evaluated: 2024-07-29. Review status: criteria provided, single submitter. Criteria: ACMG Guidelines, 2015. Collection method: clinical testing. Allele origin: germline. Inheritance: Autosomal dominant inheritance. Observed: 1 variant allele, 1 heterozygote.
Comment: This missense variant replaces asparagine with aspartic acid at codon 480 of the PKP2 protein. Computational prediction suggests that this variant may not impact protein structure and function (internally defined REVEL score threshold <= 0.5, PMID: 27666373). To our knowledge, functional studies have not been reported for this variant. This variant has not been reported in individuals affected with PKP2-related disorders in the literature. This variant has not been identified in the general population by the Genome Aggregation Database (gnomAD). The available evidence is insufficient to determine the role of this variant in disease conclusively. Therefore, this variant is classified as a Variant of Uncertain Significance.

This study involves interpretation of variants in research participants for the purpose of population health screening. Participant phenotype was not available at the time of variant classification. Additional details can be found in publication PMID: 35346344, PMCID: PMC8962531

Laboratory for Molecular Medicine, Mass General Brigham Personalized Medicine
Classification: Uncertain significance. Last evaluated: 2014-09-08. Review status: criteria provided, single submitter. Criteria: LMM Criteria. Collection method: clinical testing. Allele origin: germline. Observed: 1 variant allele.
Comment: The Asn480Asp variant in PKP2 has not been previously reported in individuals wi th cardiomyopathy and was absent from large population studies. Computational pr ediction tools and conservation analysis do not provide strong support for or ag ainst an impact to the protein. In summary, the clinical significance of the Asn 480Asp variant is uncertain.